The following is an entry in ClinVar:

ClinVar aggregate classification (germline): Likely benign (1 of 4 stars; one submission).

Allele frequency attached by ClinVar (database versions not stated): 1000 Genomes Project 0.00240; TOPMed 0.00257; gnomAD 0.00261; 1000 Genomes Project 30x 0.00265; ExAC 0.00270; ESP Exome Variant Server 0.00304.
gnomAD v4.1: 5,759 of 1,548,952 alleles (0.37%); highest among the groups gnomAD compares: Non-Finnish European, 0.45%; 14 homozygotes.

Submission:

CeGaT Center for Human Genetics Tuebingen
Classification: Likely benign. Last evaluated: 2023-04-01. Review status: criteria provided, single submitter. Criteria: CeGaT Center For Human Genetics Tuebingen Variant Classification Criteria Version 2. Collection method: clinical testing. Allele origin: germline. Affected: yes. Observed: 1 variant allele.
Comment: NECAB1: BP4, BP7

NM_022351.5(NECAB1):c.198C>T (p.His66=)

Genes: NECAB1 (N-terminal EF-hand calcium binding protein 1; plus strand), LOC105375635 (uncharacterized LOC105375635; minus strand). Cytogenetic location: 8q21.3.
Variant type: single nucleotide variant.
Coding change: c.198C>T on transcript NM_022351.5 (MANE Select); coding-DNA position 198, C replaced by T.
Protein change: p.His66=; no amino-acid change (histidine 66 retained).
Molecular consequence: synonymous variant.
Genome position (GRCh38, 1-based): chr8:90,824,790, C>T. VCF-style: chr8-90824790-C-T. GRCh37 (hg19) VCF-style: chr8-91837018-C-T.
Identifiers: ClinVar variation 2658682 (VCV002658682.24), dbSNP rs199995506, ClinGen allele CA4804105.